The following is an entry in ClinVar:

ClinVar aggregate classification (germline): Uncertain significance. Review status: criteria provided, multiple submitters, no conflicts (2 of 4 stars). 2 submissions from 2 submitters: Uncertain significance (2). Last evaluated 2024-02-23.

Allele frequency attached by ClinVar (database versions not stated): ExAC 0.00004; ESP Exome Variant Server 0.00008; gnomAD 0.00008; TOPMed 0.00008.
gnomAD v4.1: 93 of 1,614,016 alleles (0.0058%); highest among the groups gnomAD compares: African/African-American, 0.013%; no homozygotes.

Submissions (2):

Labcorp Genetics (formerly Invitae), Labcorp
Classification: Uncertain significance. Last evaluated: 2024-02-23. Review status: criteria provided, single submitter. Criteria: Invitae Variant Classification Sherloc (09022015). Collection method: clinical testing. Allele origin: germline.
Comment: This sequence change replaces glycine, which is neutral and non-polar, with arginine, which is basic and polar, at codon 374 of the NXN protein (p.Gly374Arg). This variant is present in population databases (rs371091546, gnomAD 0.02%). This variant has not been reported in the literature in individuals affected with NXN-related conditions. ClinVar contains an entry for this variant (Variation ID: 2161344). An algorithm developed to predict the effect of missense changes on protein structure and function (PolyPhen-2) suggests that this variant is likely to be disruptive. In summary, the available evidence is currently insufficient to determine the role of this variant in disease. Therefore, it has been classified as a Variant of Uncertain Significance.

Ambry Genetics
Classification: Uncertain significance. Last evaluated: 2022-06-28. Review status: criteria provided, single submitter. Criteria: Ambry Variant Classification Scheme 2023. Collection method: clinical testing. Allele origin: germline.

NM_022463.5(NXN):c.1120G>A (p.Gly374Arg)

Gene: NXN (nucleoredoxin; minus strand). Cytogenetic location: 17p13.3.
Variant type: single nucleotide variant.
Coding change: c.1120G>A on transcript NM_022463.5 (MANE Select); coding-DNA position 1120, G replaced by A.
Protein change: p.Gly374Arg; replaces glycine 374 with arginine.
Molecular consequence: missense variant.
Genome position (GRCh38, 1-based): chr17:803,687, C>T on the plus strand (G>A on the coding strand, the complement: NXN is on the minus strand). VCF-style: chr17-803687-C-T. GRCh37 (hg19) VCF-style: chr17-706927-C-T.
Other names: c.796G>A, p.Gly266Arg (NM_001205319.1); c.1120G>A (NM_022463.4); short protein forms G374R, G266R.
Identifiers: ClinVar variation 2161344 (VCV002161344.5), dbSNP rs371091546, ClinGen allele CA8263944.